The following is an entry in ClinVar:

NM_016341.4(PLCE1):c.1401C>T (p.Thr467=)

Gene: PLCE1 (phospholipase C epsilon 1; plus strand). Cytogenetic location: 10q23.33.
Variant type: single nucleotide variant.
Coding change: c.1401C>T on transcript NM_016341.4 (MANE Select); coding-DNA position 1401, C replaced by T.
Protein change: p.Thr467=; no amino-acid change (threonine 467 retained).
Molecular consequence: synonymous variant.
Genome position (GRCh38, 1-based): chr10:94,132,368, C>T. VCF-style: chr10-94132368-C-T. GRCh37 (hg19) VCF-style: chr10-95892125-C-T.
Other names: c.477C>T, p.Thr159= (NM_001165979.2); c.1401C>T, p.Thr467= (NM_001288989.2).
Identifiers: ClinVar variation 3054122 (VCV003054122.2), dbSNP rs751961317, ClinGen allele CA5612365.

ClinVar aggregate classification (germline): Likely benign (0 of 4 stars; one submission).

Conditions:
PLCE1-related disorder. Also called: PLCE1-related condition.

Allele frequency attached by ClinVar (database versions not stated): gnomAD exomes 0.00001; ExAC 0.00002; gnomAD 0.00002; TOPMed 0.00002.
gnomAD v4.1: 19 of 1,614,010 alleles (0.0012%); highest among the groups gnomAD compares: East Asian, 0.029%; no homozygotes.

Submission:

PreventionGenetics, part of Exact Sciences
Classification: Likely benign for PLCE1-related condition. Last evaluated: 2022-03-07. Review status: no assertion criteria provided. Collection method: clinical testing. Allele origin: germline.
Comment: This variant is classified as likely benign based on ACMG/AMP sequence variant interpretation guidelines (Richards et al. 2015 PMID: 25741868, with internal and published modifications).